The following is an entry in ClinVar:

ClinVar aggregate classification (germline): Uncertain significance (1 of 4 stars; one submission).

Conditions:
PURA-related severe neonatal hypotonia-seizures-encephalopathy syndrome (NEDRIHF). Also called: PURA-Related Neurodevelopmental Disorders; NEURODEVELOPMENTAL DISORDER WITH NEONATAL RESPIRATORY INSUFFICIENCY, HYPOTONIA, AND FEEDING DIFFICULTIES. Identifiers: Orphanet 438213, Orphanet 438216, MedGen C4015357, MONDO:1060108, OMIM 616158, MONDO:0018580.

gnomAD v4.1: 1 of 1,611,040 alleles (0.000062%); highest among the groups gnomAD compares: Non-Finnish European, 0.000085%; no homozygotes.

Submission:

Labcorp Genetics (formerly Invitae), Labcorp
Classification: Uncertain significance for PURA-related severe neonatal hypotonia-seizures-encephalopathy syndrome. Last evaluated: 2024-12-03. Review status: criteria provided, single submitter. Criteria: Invitae Variant Classification Sherloc (09022015). Collection method: clinical testing. Allele origin: germline.
Comment: This sequence change replaces valine, which is neutral and non-polar, with methionine, which is neutral and non-polar, at codon 108 of the PURA protein (p.Val108Met). This variant is not present in population databases (gnomAD no frequency). This variant has not been reported in the literature in individuals affected with PURA-related conditions. Invitae Evidence Modeling of protein sequence and biophysical properties (such as structural, functional, and spatial information, amino acid conservation, physicochemical variation, residue mobility, and thermodynamic stability) indicates that this missense variant is not expected to disrupt PURA protein function with a negative predictive value of 95%. In summary, the available evidence is currently insufficient to determine the role of this variant in disease. Therefore, it has been classified as a Variant of Uncertain Significance.

NM_005859.5(PURA):c.322G>A (p.Val108Met)

Gene: PURA (purine rich element binding protein A; plus strand). Cytogenetic location: 5q31.3.
Variant type: single nucleotide variant.
Coding change: c.322G>A on transcript NM_005859.5 (MANE Select); coding-DNA position 322, G replaced by A.
Protein change: p.Val108Met; replaces valine 108 with methionine.
Molecular consequence: missense variant.
Genome position (GRCh38, 1-based): chr5:140,114,503, G>A. VCF-style: chr5-140114503-G-A. GRCh37 (hg19) VCF-style: chr5-139494088-G-A.
Other names: short protein forms V108M.
Identifiers: ClinVar variation 3720995 (VCV003720995.2).